The following is an entry in ClinVar:

NM_001368067.1(LDB3):c.389C>T (p.Ser130Leu)

Genes: LDB3 (LIM domain binding 3; plus strand), LOC110121486 (VISTA enhancer hs2143; plus strand). Cytogenetic location: 10q23.2.
Variant type: single nucleotide variant.
Coding change: c.389C>T on transcript NM_001368067.1 (MANE Plus Clinical); coding-DNA position 389, C replaced by T.
Protein change: p.Ser130Leu; replaces serine 130 with leucine.
Molecular consequence: missense variant. On other transcripts: intron variant (5).
Genome position (GRCh38, 1-based): chr10:86,687,113, C>T. VCF-style: chr10-86687113-C-T. GRCh37 (hg19) VCF-style: chr10-88446870-C-T.
Other names: c.389C>T, p.Ser130Leu (NM_001080114.2, NM_001080116.1, NM_001368066.1 and 1 more transcripts); c.734C>T, p.Ser245Leu (NM_001171610.2, NM_001171611.2); c.690-4783C>T (NM_001368064.1, NM_001368063.1, NM_007078.3 and 2 more transcripts); short protein forms S130L, S245L.
Identifiers: ClinVar variation 2196814 (VCV002196814.4), dbSNP rs1845522046, ClinGen allele CA377441481.
Genomic context (GRCh38, chr10:86,687,113, plus strand): 5'-CGCACCCCTCCCCCAGCGCCGACTACCAGGAACGCTTCAACCCCAGTGCCCTGAAGGACT[C>T]GGCCCTGTCCACCCACAAGCCCATCGAGGTGAAGGGGCTGGGCGGCAAGGCCACCATCAT-3'
Protein context (NP_001354996.1, residues 120-140): ERFNPSALKD[Ser130Leu]ALSTHKPIEV

ClinVar aggregate classification (germline): Uncertain significance (1 of 4 stars; one submission).

Conditions:
Myofibrillar myopathy 4. Also called: Zaspopathy (type). Identifiers: Orphanet 98912, MedGen C4721886, MONDO:0012277, OMIM 609452.

Allele frequency attached by ClinVar (database versions not stated): gnomAD 0.00001; TOPMed 0.00001.

Submission:

Labcorp Genetics (formerly Invitae), Labcorp
Classification: Uncertain significance for Myofibrillar myopathy 4. Last evaluated: 2024-11-16. Review status: criteria provided, single submitter. Criteria: Invitae Variant Classification Sherloc (09022015). Collection method: clinical testing. Allele origin: germline.
Comment: This sequence change replaces serine, which is neutral and polar, with leucine, which is neutral and non-polar, at codon 130 of the LDB3 protein (p.Ser130Leu). This variant is not present in population databases (gnomAD no frequency). This variant has not been reported in the literature in individuals affected with LDB3-related conditions. ClinVar contains an entry for this variant (Variation ID: 2196814). An algorithm developed to predict the effect of missense changes on protein structure and function (PolyPhen-2) suggests that this variant is likely to be tolerated. In summary, the available evidence is currently insufficient to determine the role of this variant in disease. Therefore, it has been classified as a Variant of Uncertain Significance.